The following is an entry in ClinVar:

ClinVar aggregate classification (germline): Uncertain significance. Review status: criteria provided, multiple submitters, no conflicts (2 of 4 stars). 3 submissions from 3 submitters: Uncertain significance (3). Last evaluated 2025-06-09.

Conditions:
Inborn genetic diseases. Identifiers: MedGen C0950123, MeSH D030342.

gnomAD v4.1: 12 of 1,612,722 alleles (0.00074%); highest among the groups gnomAD compares: Non-Finnish European, 0.00093%; no homozygotes.

Submissions (3):

Labcorp Genetics (formerly Invitae), Labcorp
Classification: Uncertain significance. Last evaluated: 2025-06-09. Review status: criteria provided, single submitter. Criteria: Invitae Variant Classification Sherloc (09022015). Collection method: clinical testing. Allele origin: germline.
Comment: This sequence change replaces alanine, which is neutral and non-polar, with threonine, which is neutral and polar, at codon 1583 of the SAMD9 protein (p.Ala1583Thr). This variant is present in population databases (rs779813128, gnomAD 0.004%). This variant has not been reported in the literature in individuals affected with SAMD9-related conditions. ClinVar contains an entry for this variant (Variation ID: 3369400). Invitae Evidence Modeling of protein sequence and biophysical properties (such as structural, functional, and spatial information, amino acid conservation, physicochemical variation, residue mobility, and thermodynamic stability) has been performed for this missense variant. However, the output from this modeling did not meet the statistical confidence thresholds required to predict the impact of this variant on SAMD9 protein function. In summary, the available evidence is currently insufficient to determine the role of this variant in disease. Therefore, it has been classified as a Variant of Uncertain Significance.

Ambry Genetics
Classification: Uncertain significance for Inborn genetic diseases. Last evaluated: 2025-04-12. Review status: criteria provided, single submitter. Criteria: Ambry Variant Classification Scheme 2023. Collection method: clinical testing. Allele origin: germline.
Comment: The p.A1583T variant (also known as c.4747G>A), located in coding exon 1 of the SAMD9 gene, results from a G to A substitution at nucleotide position 4747. The alanine at codon 1583 is replaced by threonine, an amino acid with similar properties. This amino acid position is conserved. In addition, the in silico prediction for this alteration is inconclusive. Based on the available evidence, the clinical significance of this variant remains unclear.

GeneDx
Classification: Uncertain significance. Last evaluated: 2024-02-18. Review status: criteria provided, single submitter. Criteria: GeneDx Variant Classification Process June 2021. Collection method: clinical testing. Allele origin: germline. Affected: yes.
Comment: Not observed at significant frequency in large population cohorts (gnomAD); In silico analysis supports that this missense variant has a deleterious effect on protein structure/function; Has not been previously published as pathogenic or benign to our knowledge

NM_017654.4(SAMD9):c.4747G>A (p.Ala1583Thr)

Gene: SAMD9 (sterile alpha motif domain containing 9; minus strand). Cytogenetic location: 7q21.2.
Variant type: single nucleotide variant.
Coding change: c.4747G>A on transcript NM_017654.4 (MANE Select); coding-DNA position 4747, G replaced by A.
Protein change: p.Ala1583Thr; replaces alanine 1583 with threonine.
Molecular consequence: missense variant.
Genome position (GRCh38, 1-based): chr7:93,101,351, C>T on the plus strand (G>A on the coding strand, the complement: SAMD9 is on the minus strand). VCF-style: chr7-93101351-C-T. GRCh37 (hg19) VCF-style: chr7-92730664-C-T.
Other names: c.4747G>A, p.Ala1583Thr (NM_001193307.2); short protein forms A1583T.
Identifiers: ClinVar variation 3369400 (VCV003369400.3).